The following is an entry in ClinVar:

NM_001354604.2(MITF):c.666+5T>C

Gene: MITF (melanocyte inducing transcription factor; plus strand). Cytogenetic location: 3p13.
Variant type: single nucleotide variant.
Coding change: c.666+5T>C on transcript NM_001354604.2 (MANE Select); 5 bases into the intron after coding-DNA position 666, T replaced by C.
Molecular consequence: intron variant.
Genome position (GRCh38, 1-based): chr3:69,939,186, T>C. VCF-style: chr3-69939186-T-C. GRCh37 (hg19) VCF-style: chr3-69988337-T-C.
Other names: c.615+5T>C (NM_001354607.2); c.510+5T>C (NM_001354608.2, NM_001184967.2); c.666+5T>C (NM_198159.3); c.663+5T>C (NM_001354605.2, NM_001354606.2, NM_006722.3); c.618+5T>C (NM_198177.3); c.345+5T>C (NM_000248.4, NM_198158.3); c.177+5T>C (NM_198178.3).
Identifiers: ClinVar variation 504813 (VCV000504813.10), dbSNP rs374067688, ClinGen allele CA2490415.

ClinVar aggregate classification (germline): Conflicting classifications of pathogenicity. Review status: criteria provided, conflicting classifications (1 of 4 stars). 5 submissions from 5 submitters: Uncertain significance (4); Likely benign (1). Last evaluated 2026-02-02.

Conditions:
Waardenburg syndrome type 2A (WS2A). Also called: WAARDENBURG SYNDROME WITHOUT DYSTOPIA CANTHORUM. Identifiers: Orphanet 3440, MedGen C1860339, MONDO:0008671, OMIM 193510.
Tietz syndrome (TADS). Also called: ALBINISM-DEAFNESS OF TIETZ; HYPOPIGMENTATION/DEAFNESS OF TIETZ; TIETZ ALBINISM-DEAFNESS SYNDROME. Identifiers: Orphanet 42665, MedGen C0391816, MONDO:0007077, OMIM 103500.
Melanoma, cutaneous malignant, susceptibility to, 8. Also called: MELANOMA AND RENAL CELL CARCINOMA, SUSCEPTIBILITY TO; Cutaneous malignant melanoma 8. Identifiers: Orphanet 293822, MedGen C3152204, MONDO:0013759, OMIM 614456.
Hereditary cancer-predisposing syndrome. Also called: Hereditary neoplastic syndrome; Neoplastic Syndromes, Hereditary; Tumor predisposition; Hereditary Cancer Syndrome. Identifiers: Orphanet 140162, MedGen C0027672, MeSH D009386, MONDO:0015356.

Allele frequency attached by ClinVar (database versions not stated): gnomAD 0.00003 and 0.00004; gnomAD exomes 0.00004 and 0.00005; ESP Exome Variant Server 0.00008; TOPMed 0.00005; ExAC 0.00006.
gnomAD v4.1: 64 of 1,613,148 alleles (0.004%); highest among the groups gnomAD compares: Admixed American, 0.0067%; no homozygotes.

Submissions (5):

Labcorp Genetics (formerly Invitae), Labcorp
Classification: Uncertain significance for Melanoma, cutaneous malignant, susceptibility to, 8; Waardenburg syndrome type 2A; Tietz syndrome. Last evaluated: 2026-02-02. Review status: criteria provided, single submitter. Criteria: Invitae Variant Classification Sherloc (09022015). Collection method: clinical testing. Allele origin: germline.
Comment: This sequence change falls in intron 3 of the MITF gene. It does not directly change the encoded amino acid sequence of the MITF protein. It affects a nucleotide within the consensus splice site. This variant is present in population databases (rs374067688, gnomAD 0.009%). This variant has not been reported in the literature in individuals affected with MITF-related conditions. ClinVar contains an entry for this variant (Variation ID: 504813). Variants that disrupt the consensus splice site are a relatively common cause of aberrant splicing (PMID: 17576681, 9536098). Algorithms developed to predict the effect of sequence changes on RNA splicing suggest that this variant is not likely to affect RNA splicing. In summary, the available evidence is currently insufficient to determine the role of this variant in disease. Therefore, it has been classified as a Variant of Uncertain Significance.

GeneDx
Classification: Uncertain significance. Last evaluated: 2022-09-30. Review status: criteria provided, single submitter. Criteria: GeneDx Variant Classification Process June 2021. Collection method: clinical testing. Allele origin: germline. Affected: yes.
Comment: In silico analysis supports that this variant does not alter splicing; Has not been previously published as pathogenic or benign to our knowledge

Blueprint Genetics
Classification: Likely benign. Last evaluated: 2022-03-01. Review status: criteria provided, single submitter. Criteria: ACMG Guidelines, 2015. Collection method: clinical testing. Allele origin: germline.

Sema4
Classification: Uncertain significance for Hereditary cancer-predisposing syndrome. Last evaluated: 2021-07-11. Review status: criteria provided, single submitter. Criteria: Sema4 Curation Guidelines. Collection method: curation. Allele origin: germline.
Comment: The MITF c.345+5T>C intronic variant has not been reported in the literature to our knowledge. It was observed in 13/128806 Non-Finnish European chromosomes by the large and broad cohorts of the Genome Aggregation Database (PMID: 32461654). The variant has been reported in ClinVar (Variation ID: 504813). Computational tools do not suggest an impact to splicing, but this information is not predictive enough to rule out pathogenicity. The evidence is insufficient to meet ACMG/AMP criteria for classifying the variant as benign or pathogenic. Thus, the clinical significance of this variant is currently uncertain.

Laboratory for Molecular Medicine, Mass General Brigham Personalized Medicine
Classification: Uncertain significance. Last evaluated: 2018-11-13. Review status: criteria provided, single submitter. Criteria: LMM Criteria. Collection method: clinical testing. Allele origin: germline. Observed: 3 variant alleles.
Comment: Variant classified as Uncertain Significance - Favor Benign. The c.666+5C>T variant has also been identifie d in 0.01% (13/128806) of European chromosomes by gnomAD. This variant is located in the 5' splice region. Computational tool s do not suggest an impact to splicing, but this information is not predictive e nough to rule out pathogenicity. In summary, while the clinical significance of the c.666+5T>C variant is uncertain, available data suggest that it is more like ly to be benign. ACMG/AMP criteria applied: BP4.

Literature cited by the submitters: PubMed 17576681 (cited by Labcorp Genetics (formerly Invitae), Labcorp); PubMed 9536098 (cited by Labcorp Genetics (formerly Invitae), Labcorp).